The following is an entry in ClinVar:

NM_031885.5(BBS2):c.700C>T (p.Arg234Ter)

Gene: BBS2 (Bardet-Biedl syndrome 2; minus strand). Cytogenetic location: 16q13.
Variant type: single nucleotide variant.
Coding change: c.700C>T on transcript NM_031885.5 (MANE Select); coding-DNA position 700, C replaced by T.
Protein change: p.Arg234Ter; replaces arginine 234 with a stop codon.
Molecular consequence: nonsense. On other transcripts: non-coding transcript variant (5).
Genome position (GRCh38, 1-based): chr16:56,506,137, G>A on the plus strand (C>T on the coding strand, the complement: BBS2 is on the minus strand). VCF-style: chr16-56506137-G-A. GRCh37 (hg19) VCF-style: chr16-56540049-G-A.
Other names: c.700C>T, p.Arg234Ter (NM_001377456.1); c.700C>T (NM_031885.4); short protein forms R234*.
Identifiers: ClinVar variation 554001 (VCV000554001.28), dbSNP rs779690256, ClinGen allele CA8065961.

ClinVar aggregate classification (germline): Pathogenic. Review status: criteria provided, multiple submitters, no conflicts (2 of 4 stars). 11 submissions from 11 submitters: Pathogenic (8). 3 of the submissions do not count toward it. Last evaluated 2025-10-17.

Conditions:
BBS2-related disorder. Also called: BBS2-related disorders; BBS2-related condition. Identifiers: MedGen CN239228.
Retinitis pigmentosa 74 (RP74). Identifiers: Orphanet 791, MedGen C4225281, MONDO:0014692, OMIM 616562.
Bardet-Biedl syndrome 2 (BBS2). Identifiers: Orphanet 110, MedGen C2936863, MONDO:0014432, OMIM 615981.
Retinal dystrophy. Also called: Inherited retinal dystrophy. Identifiers: Orphanet 71862, MedGen C0854723, MeSH D058499, MONDO:0019118, HP:0000556.
Bardet-Biedl syndrome (BBS). Identifiers: Orphanet 110, MedGen C0752166, MONDO:0015229.

Allele frequency attached by ClinVar (database versions not stated): gnomAD 0.00001; gnomAD exomes 0.00001 and 0.00003; TOPMed 0.00001; ExAC 0.00002.
gnomAD v4.1: 23 of 1,613,498 alleles (0.0014%); highest among the groups gnomAD compares: East Asian, 0.0067%; no homozygotes.

Submissions (11):

Natera, Inc.
Classification: Pathogenic for Bardet-Biedl syndrome type 2. Last evaluated: 2025-10-17. Review status: criteria provided, single submitter. Criteria: Natera Variant Classification Schema (03/2026). Collection method: clinical testing. Allele origin: germline.
Comment: The c.700C>T variant in BBS2 is a nonsense variant predicted to introduce a stop codon at amino acid 234. This variant is expected to result in nonsense mediated decay, truncation, or a dysfunctional protein product. This variant is rare in the general population with a frequency below the threshold expected for the associated phenotype(s). This variant has been observed in one or more individuals affected with the associated recessive disease, as either homozygous or compound heterozygous with a second variant (PMID: 35065907). Given the available evidence, this variant is classified as Pathogenic.

Labcorp Genetics (formerly Invitae), Labcorp
Classification: Pathogenic for Bardet-Biedl syndrome. Last evaluated: 2025-05-27. Review status: criteria provided, single submitter. Criteria: Invitae Variant Classification Sherloc (09022015). Collection method: clinical testing. Allele origin: germline.
Comment: This sequence change creates a premature translational stop signal (p.Arg234*) in the BBS2 gene. It is expected to result in an absent or disrupted protein product. Loss-of-function variants in BBS2 are known to be pathogenic (PMID: 11285252, 20177705, 24608809, 26518167). This variant is present in population databases (rs779690256, gnomAD 0.006%). This premature translational stop signal has been observed in individual(s) with clinical features of a ciliopathy disorder (PMID: 15666242, 27894351). ClinVar contains an entry for this variant (Variation ID: 554001). Algorithms developed to predict the effect of sequence changes on RNA splicing suggest that this variant may disrupt the consensus splice site. For these reasons, this variant has been classified as Pathogenic.

Blueprint Genetics
Classification: Pathogenic for BBS2-related disorders. Last evaluated: 2024-07-15. Review status: criteria provided, single submitter. Criteria: ACMG Guidelines, 2015. Collection method: clinical testing. Allele origin: germline. Affected: yes. Observed: 5 variant alleles.

Fulgent Genetics
Classification: Pathogenic for Bardet-Biedl syndrome 2; Retinitis pigmentosa 74. Last evaluated: 2024-05-31. Review status: criteria provided, single submitter. Criteria: ACMG Guidelines, 2015. Collection method: clinical testing. Allele origin: germline.

Baylor Genetics
Classification: Pathogenic for Bardet-Biedl syndrome 2. Last evaluated: 2024-02-22. Review status: criteria provided, single submitter. Criteria: ACMG Guidelines, 2015. Collection method: clinical testing. Allele origin: unknown.

Medical Genetics Center, Maternal and Child Health Hospital of Hubei Province
Classification: Pathogenic for Bardet-Biedl syndrome 2. Last evaluated: 2022-07-03. Review status: criteria provided, single submitter. Criteria: ACMG Guidelines, 2015. Collection method: clinical testing. Allele origin: inherited. Affected: yes.

GeneDx
Classification: Pathogenic. Last evaluated: 2020-05-12. Review status: criteria provided, single submitter. Criteria: GeneDx Variant Classification Process June 2021. Collection method: clinical testing. Allele origin: germline. Affected: yes.
Comment: Nonsense variant predicted to result in protein truncation or nonsense mediated decay in a gene for which loss-of-function is a known mechanism of disease; This variant is associated with the following publications: (PMID: 31054281, 15666242, 25525159)

Women's Health and Genetics/Laboratory Corporation of America, LabCorp
Classification: Pathogenic for Bardet-Biedl syndrome. Last evaluated: 2019-08-05. Review status: criteria provided, single submitter. Criteria: LabCorp Variant Classification Summary - May 2015. Collection method: clinical testing. Allele origin: germline.
Comment: Variant summary: BBS2 c.700C>T (p.Arg234X) results in a premature termination codon, predicted to cause a truncation of the encoded protein or absence of the protein due to nonsense mediated decay, which are commonly known mechanisms for disease. The variant allele was found at a frequency of 2.8e-05 in 251228 control chromosomes (gnomAD). c.700C>T has been reported in the literature in compound heterozygous and homozygous states in individuals affected with Bardet-Biedl Syndrome (Deveault_2011, Karmous-Benailly_2005, Patel_2016, Shaheen_2016). These data indicate that the variant is likely to be associated with disease. To our knowledge, no experimental evidence demonstrating an impact on protein function has been reported. A ClinVar submitter (evaluation after 2014) cites the variant as pathogenic. Based on the evidence outlined above, the variant was classified as pathogenic.

PreventionGenetics, part of Exact Sciences
Classification: Pathogenic for BBS2-related condition. Last evaluated: 2024-03-01. Review status: no assertion criteria provided. Collection method: clinical testing. Allele origin: germline. Not counted in ClinVar's aggregate classification.
Comment: The BBS2 c.700C>T variant is predicted to result in premature protein termination (p.Arg234*). This variant has been reported in individuals with Bardet-Biedl syndrome (Karmous-Benailly et al 2005. PubMed ID: 15666242; Shaheen et al 2016. PubMed ID: 27894351; Gao et al 2019. PubMed ID: 31054281). This variant is reported in 0.0056% of alleles in individuals of Latino descent in gnomAD. Nonsense variants in BBS2 are expected to be pathogenic. This variant is interpreted as pathogenic.

Counsyl
Classification: Pathogenic for Bardet-Biedl syndrome 2. Last evaluated: 2017-09-21. Review status: no assertion criteria provided. Collection method: clinical testing. Allele origin: unknown. Not counted in ClinVar's aggregate classification.

Dept Of Ophthalmology, Nagoya University
Classification: Uncertain significance for Retinal dystrophy. Last evaluated: 2023-10-01. Review status: flagged submission. Criteria: Submitter's publication. Collection method: research. Allele origin: germline. Affected: yes. Not counted in ClinVar's aggregate classification.
ClinVar note: Reason: Outlier claim with insufficient supporting evidence

Literature cited by the submitters: PubMed 35065907 (cited by Natera, Inc.); PubMed 11285252 (cited by Labcorp Genetics (formerly Invitae), Labcorp); PubMed 20177705 (cited by Labcorp Genetics (formerly Invitae), Labcorp); PubMed 24608809 (cited by Labcorp Genetics (formerly Invitae), Labcorp); PubMed 26518167 (cited by Labcorp Genetics (formerly Invitae), Labcorp); PubMed 15666242 (cited by 4 submitters); PubMed 27894351 (cited by 3 submitters); PubMed 25525159 (cited by Medical Genetics Center, Maternal and Child Health Hospital of Hubei Province); PubMed 21344540 (cited by Women's Health and Genetics/Laboratory Corporation of America, LabCorp); PubMed 26355662 (cited by Women's Health and Genetics/Laboratory Corporation of America, LabCorp).